The following is an entry in ClinVar:

ClinVar aggregate classification (germline): Uncertain significance (1 of 4 stars; one submission).

Conditions:
Gastrointestinal stromal tumor. Also called: Gastrointestinal stroma tumor; Gastrointestinal stromal tumor, somatic. Identifiers: Orphanet 44890, MedGen C0238198, MeSH D046152, MONDO:0011719, OMIM 606764, HP:0100723.
Pheochromocytoma/paraganglioma syndrome 3. Also called: GLOMUS TUMORS, FAMILIAL, 3; SDHC-Related Hereditary Paraganglioma-Pheochromocytoma Syndrome; Paragangliomas 3; SDHC-Related Hereditary Paraganglioma-Pheochromocytoma Syndrome (Paragangliomas 3). Identifiers: Orphanet 29072, MedGen C1854336, MONDO:0011544, OMIM 605373.

Submission:

Labcorp Genetics (formerly Invitae), Labcorp
Classification: Uncertain significance for Pheochromocytoma/paraganglioma syndrome 3; Gastrointestinal stromal tumor. Last evaluated: 2025-04-11. Review status: criteria provided, single submitter. Criteria: Invitae Variant Classification Sherloc (09022015). Collection method: clinical testing. Allele origin: germline.
Comment: This sequence change replaces isoleucine, which is neutral and non-polar, with valine, which is neutral and non-polar, at codon 132 of the SDHC protein (p.Ile132Val). This variant is not present in population databases (gnomAD no frequency). This variant has not been reported in the literature in individuals affected with SDHC-related conditions. ClinVar contains an entry for this variant (Variation ID: 1433213). Invitae Evidence Modeling of protein sequence and biophysical properties (such as structural, functional, and spatial information, amino acid conservation, physicochemical variation, residue mobility, and thermodynamic stability) indicates that this missense variant is expected to disrupt SDHC protein function with a positive predictive value of 95%. In summary, the available evidence is currently insufficient to determine the role of this variant in disease. Therefore, it has been classified as a Variant of Uncertain Significance.

NM_003001.5(SDHC):c.394A>G (p.Ile132Val)

Gene: SDHC (succinate dehydrogenase complex subunit C; plus strand). Cytogenetic location: 1q23.3.
Variant type: single nucleotide variant.
Coding change: c.394A>G on transcript NM_003001.5 (MANE Select); coding-DNA position 394, A replaced by G.
Protein change: p.Ile132Val; replaces isoleucine 132 with valine.
Molecular consequence: missense variant. On other transcripts: non-coding transcript variant (1), intron variant (3).
Genome position (GRCh38, 1-based): chr1:161,356,829, A>G. VCF-style: chr1-161356829-A-G. GRCh37 (hg19) VCF-style: chr1-161326619-A-G.
Other names: c.292A>G, p.Ile98Val (NM_001035512.3); c.235A>G, p.Ile79Val (NM_001035513.3); c.514A>G, p.Ile172Val (NM_001407115.1); c.337A>G, p.Ile113Val (NM_001407116.1); c.331A>G, p.Ile111Val (NM_001407117.1); c.286A>G, p.Ile96Val (NM_001407118.1); c.283A>G, p.Ile95Val (NM_001407119.1, NM_001407120.1); c.242-5500A>G (NM_001035511.3); and 2 more; short protein forms I132V, I98V, I79V, I172V, I111V, I95V, I113V, I96V.
Identifiers: ClinVar variation 1433213 (VCV001433213.9), dbSNP rs2102371416, ClinGen allele CA343456743.